The following is an entry in ClinVar:

ClinVar aggregate classification (germline): Conflicting classifications of pathogenicity. Review status: criteria provided, conflicting classifications (1 of 4 stars). 3 submissions from 3 submitters: Uncertain significance (2); Likely benign (1). Last evaluated 2025-01-10.

Conditions:
Duchenne muscular dystrophy (DMD). Also called: Duchenne Muscular Dystrophy (DMD); MUSCULAR DYSTROPHY, PSEUDOHYPERTROPHIC PROGRESSIVE, DUCHENNE TYPE. Identifiers: Orphanet 98896, MedGen C0013264, MONDO:0010679, OMIM 310200.
Cardiovascular phenotype. Identifiers: MedGen CN230736.

Allele frequency attached by ClinVar (database versions not stated): TOPMed below 0.00001.

Submissions (3):

Ambry Genetics
Classification: Likely benign for Cardiovascular phenotype. Last evaluated: 2025-01-10. Review status: criteria provided, single submitter. Criteria: Ambry Variant Classification Scheme 2023. Collection method: clinical testing. Allele origin: germline.

Labcorp Genetics (formerly Invitae), Labcorp
Classification: Uncertain significance for Duchenne muscular dystrophy. Last evaluated: 2023-11-08. Review status: criteria provided, single submitter. Criteria: Invitae Variant Classification Sherloc (09022015). Collection method: clinical testing. Allele origin: germline.
Comment: This sequence change replaces serine, which is neutral and polar, with threonine, which is neutral and polar, at codon 1223 of the DMD protein (p.Ser1223Thr). This variant is not present in population databases (gnomAD no frequency). This variant has not been reported in the literature in individuals affected with DMD-related conditions. ClinVar contains an entry for this variant (Variation ID: 2440824). Advanced modeling of protein sequence and biophysical properties (such as structural, functional, and spatial information, amino acid conservation, physicochemical variation, residue mobility, and thermodynamic stability) performed at Invitae indicates that this missense variant is not expected to disrupt DMD protein function with a negative predictive value of 95%. In summary, the available evidence is currently insufficient to determine the role of this variant in disease. Therefore, it has been classified as a Variant of Uncertain Significance.

Revvity Omics, Revvity
Classification: Uncertain significance. Last evaluated: 2019-05-22. Review status: criteria provided, single submitter. Criteria: ACMG Guidelines, 2015. Collection method: clinical testing. Allele origin: germline.

NM_004006.3(DMD):c.3668G>C (p.Ser1223Thr)

Gene: DMD (dystrophin; minus strand). Cytogenetic location: Xp21.1.
Variant type: single nucleotide variant.
Coding change: c.3668G>C on transcript NM_004006.3 (MANE Select); coding-DNA position 3668, G replaced by C.
Protein change: p.Ser1223Thr; replaces serine 1223 with threonine.
Molecular consequence: missense variant.
Genome position (GRCh38, 1-based): chrX:32,448,574, C>G on the plus strand (G>C on the coding strand, the complement: DMD is on the minus strand). VCF-style: chrX-32448574-C-G. GRCh37 (hg19) VCF-style: chrX-32466691-C-G.
Other names: c.3644G>C, p.Ser1215Thr (NM_000109.4); c.3656G>C, p.Ser1219Thr (NM_004009.3); c.3299G>C, p.Ser1100Thr (NM_004010.3); short protein forms S1100T, S1215T, S1219T, S1223T.
Identifiers: ClinVar variation 2440824 (VCV002440824.7), dbSNP rs2098315075, ClinGen allele CA412662107.